The following is an entry in ClinVar:

ClinVar aggregate classification (germline): Benign (1 of 4 stars; one submission).

Allele frequency attached by ClinVar (database versions not stated): gnomAD 0.00007; TOPMed 0.00007; gnomAD exomes 0.00017.

Submission:

GeneDx
Classification: Benign. Last evaluated: 2015-09-22. Review status: criteria provided, single submitter. Criteria: GeneDx Variant Classification (06012015). Collection method: clinical testing. Allele origin: germline. Affected: yes.
Comment: This variant is considered likely benign or benign based on one or more of the following criteria: it is a conservative change, it occurs at a poorly conserved position in the protein, it is predicted to be benign by multiple in silico algorithms, and/or has population frequency not consistent with disease.

NM_000156.6(GAMT):c.-27A>C

Genes: GAMT (guanidinoacetate N-methyltransferase; minus strand), LOC130062945 (ATAC-STARR-seq lymphoblastoid silent region 9707; plus strand). Cytogenetic location: 19p13.3.
Variant type: single nucleotide variant.
Coding change: c.-27A>C on transcript NM_000156.6 (MANE Select); 27 bases upstream of the start codon, A replaced by C.
Molecular consequence: 5 prime UTR variant.
Genome position (GRCh38, 1-based): chr19:1,401,503, T>G on the plus strand (A>C on the coding strand, the complement: GAMT is on the minus strand). VCF-style: chr19-1401503-T-G. GRCh37 (hg19) VCF-style: chr19-1401502-T-G.
Other names: c.-27A>C (NM_138924.3).
Identifiers: ClinVar variation 205572 (VCV000205572.1), dbSNP rs796052521, ClinGen allele CA314790.